The following is an entry in ClinVar:

NM_025137.4(SPG11):c.884A>G (p.His295Arg)

Gene: SPG11 (SPG11 vesicle trafficking associated, spatacsin; minus strand). Cytogenetic location: 15q21.1.
Variant type: single nucleotide variant.
Coding change: c.884A>G on transcript NM_025137.4 (MANE Select); coding-DNA position 884, A replaced by G.
Protein change: p.His295Arg; replaces histidine 295 with arginine.
Molecular consequence: missense variant.
Genome position (GRCh38, 1-based): chr15:44,652,252, T>C on the plus strand (A>G on the coding strand, the complement: SPG11 is on the minus strand). VCF-style: chr15-44652252-T-C. GRCh37 (hg19) VCF-style: chr15-44944450-T-C.
Other names: c.884A>G, p.His295Arg (NM_001160227.2, NM_001411132.1); short protein forms H295R.
Identifiers: ClinVar variation 5009964 (VCV005009964.1).

ClinVar aggregate classification (germline): Uncertain significance (1 of 4 stars; one submission).

gnomAD v4.1: 1 of 1,614,070 alleles (0.000062%); highest among the groups gnomAD compares: Non-Finnish European, 0.000085%; no homozygotes.

Submission:

GeneDx
Classification: Uncertain significance. Last evaluated: 2026-02-24. Review status: criteria provided, single submitter. Criteria: GeneDx Variant Classification Process June 2021. Collection method: clinical testing. Allele origin: germline.
Comment: Not observed at significant frequency in large population cohorts (gnomAD); In silico analysis supports that this missense variant has a deleterious effect on protein structure/function; Has not been previously published as pathogenic or benign to our knowledge